The following is an entry in ClinVar:

NM_015261.3(NCAPD3):c.2717C>T (p.Pro906Leu)

Gene: NCAPD3 (non-SMC condensin II complex subunit D3; minus strand). Cytogenetic location: 11q25.
Variant type: single nucleotide variant.
Coding change: c.2717C>T on transcript NM_015261.3 (MANE Select); coding-DNA position 2717, C replaced by T.
Protein change: p.Pro906Leu; replaces proline 906 with leucine.
Molecular consequence: missense variant.
Genome position (GRCh38, 1-based): chr11:134,178,699, G>A on the plus strand (C>T on the coding strand, the complement: NCAPD3 is on the minus strand). VCF-style: chr11-134178699-G-A. GRCh37 (hg19) VCF-style: chr11-134048594-G-A.
Other names: c.2717C>T, p.Pro906Leu (NM_001372065.1, NM_001372068.1); c.2303C>T, p.Pro768Leu (NM_001372069.1, NM_001372070.1); short protein forms P768L, P906L.
Identifiers: ClinVar variation 3050095 (VCV003050095.3), dbSNP rs201225237, ClinGen allele CA6371162.
Genomic context (GRCh38, chr11:134,178,699, plus strand): 5'-GTAATGATGGCATGTGCTCTAATCACAGAGGGCATGACAGAACCTCTGACCTGGGGGGGT[G>A]GCTGAGACGCTGGGGCCTCACTGCTGCCTTGAGATGATGGTGCTGCAAAGAAGGGAGAGA-3'
Protein context (NP_056076.1, residues 896-916): QGSSEAPASQ[Pro906Leu]PPQVRGSVMP

ClinVar aggregate classification (germline): Likely benign. Review status: criteria provided, single submitter (1 of 4 stars). 2 submissions from 2 submitters: Likely benign (1). 1 of the submissions does not count toward it. Last evaluated 2024-09-24.

Conditions:
NCAPD3-related disorder. Also called: NCAPD3-related condition.

Allele frequency attached by ClinVar (database versions not stated): TOPMed 0.00003; gnomAD exomes 0.00014; gnomAD 0.00021; ExAC 0.00031.

Submissions (2):

Blueprint Genetics
Classification: Likely benign. Last evaluated: 2024-09-24. Review status: criteria provided, single submitter. Criteria: ACMG Guidelines, 2015. Collection method: clinical testing. Allele origin: germline.

PreventionGenetics, part of Exact Sciences
Classification: Likely benign for NCAPD3-related condition. Last evaluated: 2022-12-09. Review status: no assertion criteria provided. Collection method: clinical testing. Allele origin: germline. Not counted in ClinVar's aggregate classification.
Comment: This variant is classified as likely benign based on ACMG/AMP sequence variant interpretation guidelines (Richards et al. 2015 PMID: 25741868, with internal and published modifications).